The following is an entry in ClinVar:

NM_005228.5(EGFR):c.2533G>C (p.Val845Leu)

Gene: EGFR (epidermal growth factor receptor; plus strand). Cytogenetic location: 7p11.2.
Variant type: single nucleotide variant.
Coding change: c.2533G>C on transcript NM_005228.5 (MANE Select); coding-DNA position 2533, G replaced by C.
Protein change: p.Val845Leu; replaces valine 845 with leucine.
Molecular consequence: missense variant.
Genome position (GRCh38, 1-based): chr7:55,191,782, G>C. VCF-style: chr7-55191782-G-C. GRCh37 (hg19) VCF-style: chr7-55259475-G-C.
Other names: c.2398G>C, p.Val800Leu (NM_001346897.2, NM_001346899.2); c.2533G>C, p.Val845Leu (NM_001346898.2); c.2374G>C, p.Val792Leu (NM_001346900.2); c.1732G>C, p.Val578Leu (NM_001346941.2); c.2533G>C (NM_005228.4, NM_005228.3); short protein forms V578L, V792L, V800L, V845L.
Identifiers: ClinVar variation 1020563 (VCV001020563.11), dbSNP rs1787407031, ClinGen allele CA367580187.

ClinVar aggregate classification (germline): Conflicting classifications of pathogenicity. Review status: criteria provided, conflicting classifications (1 of 4 stars). 3 submissions from 3 submitters: Likely pathogenic (1); Uncertain significance (2). Last evaluated 2025-03-03.

Conditions:
Hereditary cancer-predisposing syndrome. Also called: Tumor predisposition; Neoplastic Syndromes, Hereditary; Hereditary neoplastic syndrome; Hereditary Cancer Syndrome. Identifiers: Orphanet 140162, MedGen C0027672, MeSH D009386, MONDO:0015356.
Ovarian cancer. Also called: OVARIAN CANCER, SOMATIC. Identifiers: Orphanet 213500, MedGen C1140680, MONDO:0008170, OMIM 167000.
EGFR-related lung cancer (EGFR). Identifiers: MedGen CN130014.

Submissions (3):

Ambry Genetics
Classification: Uncertain significance for Hereditary cancer-predisposing syndrome. Last evaluated: 2025-03-03. Review status: criteria provided, single submitter. Criteria: Ambry Variant Classification Scheme 2023. Collection method: clinical testing. Allele origin: germline.
Comment: The p.V845L variant (also known as c.2533G>C), located in coding exon 21 of the EGFR gene, results from a G to C substitution at nucleotide position 2533. The valine at codon 845 is replaced by leucine, an amino acid with highly similar properties. This amino acid position is highly conserved in available vertebrate species. In addition, the in silico prediction for this alteration is inconclusive. Based on the available evidence, the clinical significance of this variant remains unclear.

Labcorp Genetics (formerly Invitae), Labcorp
Classification: Uncertain significance for EGFR-related lung cancer. Last evaluated: 2025-02-26. Review status: criteria provided, single submitter. Criteria: Invitae Variant Classification Sherloc (09022015). Collection method: clinical testing. Allele origin: germline.
Comment: This sequence change replaces valine, which is neutral and non-polar, with leucine, which is neutral and non-polar, at codon 845 of the EGFR protein (p.Val845Leu). This variant is not present in population databases (gnomAD no frequency). This variant has not been reported in the literature in individuals affected with EGFR-related conditions. ClinVar contains an entry for this variant (Variation ID: 1020563). An algorithm developed to predict the effect of missense changes on protein structure and function (PolyPhen-2) suggests that this variant is likely to be disruptive. In summary, the available evidence is currently insufficient to determine the role of this variant in disease. Therefore, it has been classified as a Variant of Uncertain Significance.

Laboratory of Molecular Epidemiology of Birth Defects, West China Second University Hospital, Sichuan University
Classification: Likely pathogenic for Ovarian cancer. Last evaluated: 2022-01-01. Review status: criteria provided, single submitter. Criteria: ACMG Guidelines, 2015. Collection method: clinical testing. Allele origin: germline. Affected: yes.